The following is an entry in ClinVar:

ClinVar aggregate classification (germline): Uncertain significance (1 of 4 stars; one submission).

gnomAD v4.1: 4 of 1,614,178 alleles (0.00025%); highest among the groups gnomAD compares: Non-Finnish European, 0.00025%; no homozygotes.

Submission:

Labcorp Genetics (formerly Invitae), Labcorp
Classification: Uncertain significance. Last evaluated: 2021-11-14. Review status: criteria provided, single submitter. Criteria: Invitae Variant Classification Sherloc (09022015). Collection method: clinical testing. Allele origin: germline.
Comment: This sequence change replaces alanine, which is neutral and non-polar, with serine, which is neutral and polar, at codon 1646 of the MYO5B protein (p.Ala1646Ser). This variant is not present in population databases (gnomAD no frequency). This variant has not been reported in the literature in individuals affected with MYO5B-related conditions. Algorithms developed to predict the effect of missense changes on protein structure and function (SIFT, PolyPhen-2, Align-GVGD) all suggest that this variant is likely to be tolerated. In summary, the available evidence is currently insufficient to determine the role of this variant in disease. Therefore, it has been classified as a Variant of Uncertain Significance.

NM_001080467.3(MYO5B):c.4936G>T (p.Ala1646Ser)

Genes: SNHG22 (small nucleolar RNA host gene 22; plus strand), MYO5B (myosin VB; minus strand). Cytogenetic location: 18q21.1.
Variant type: single nucleotide variant.
Coding change: c.4936G>T on transcript NM_001080467.3 (MANE Select); coding-DNA position 4936, G replaced by T.
Protein change: p.Ala1646Ser; replaces alanine 1646 with serine.
Molecular consequence: missense variant.
Genome position (GRCh38, 1-based): chr18:49,837,719, C>A on the plus strand (G>T on the coding strand, the complement: MYO5B is on the minus strand). VCF-style: chr18-49837719-C-A. GRCh37 (hg19) VCF-style: chr18-47364089-C-A.
Other names: short protein forms A1646S.
Identifiers: ClinVar variation 1369967 (VCV001369967.3), dbSNP rs1430496487, ClinGen allele CA402422171.
Genomic context (GRCh38, chr18:49,837,719, plus strand): 5'-TATGAAAGGCATTCATCTGGCGGATGATAGCTTCCAGGCAGTATGAGTTATCCCCATCTG[C>A]CATGCTGGAGGAGCGCTTCCGGTAGCCGGTGGGCTTCACACCAGATAGACCCTGAATGCT-3'
Protein context (NP_001073936.1, residues 1636-1656): TGYRKRSSSM[Ala1646Ser]DGDNSYCLEA